The following is an entry in ClinVar:

ClinVar aggregate classification (germline): Uncertain significance (1 of 4 stars; one submission).

Submission:

GeneDx
Classification: Uncertain significance. Last evaluated: 2023-09-17. Review status: criteria provided, single submitter. Criteria: GeneDx Variant Classification Process June 2021. Collection method: clinical testing. Allele origin: germline. Affected: yes.
Comment: Not observed at significant frequency in large population cohorts (gnomAD); In silico analysis supports that this missense variant does not alter protein structure/function; Has not been previously published as pathogenic or benign to our knowledge

NM_001379110.1(SLC9A6):c.-57+38G>T

Genes: SLC9A6 (solute carrier family 9 member A6; plus strand), LOC130068746 (ATAC-STARR-seq lymphoblastoid silent region 21025; plus strand). Cytogenetic location: Xq26.3.
Variant type: single nucleotide variant.
Coding change: c.-57+38G>T on transcript NM_001379110.1 (MANE Select); 38 bases into the intron after 57 bases upstream of the start codon, G replaced by T.
Molecular consequence: intron variant. On other transcripts: missense variant (2).
Genome position (GRCh38, 1-based): chrX:135,985,515, G>T. VCF-style: chrX-135985515-G-T. GRCh37 (hg19) VCF-style: chrX-135067674-G-T.
Other names: c.13G>T, p.Gly5Cys (NM_001042537.2, NM_006359.3); c.-35-109G>T (NM_001400909.1); c.-56-88G>T (NM_001400910.1, NM_001400911.1); c.-57+38G>T (NM_001177651.2, NM_001400913.1); c.-57+43G>T (NM_001400912.1, NM_001330652.2); short protein forms G5C.
Identifiers: ClinVar variation 3338748 (VCV003338748.1).